The following is an entry in ClinVar:

NM_001130987.2(DYSF):c.5809delinsGAGG (p.Thr1937delinsGluAla)

Gene: DYSF (dysferlin; plus strand). Cytogenetic location: 2p13.2.
Variant type: Indel.
Coding change: c.5809delinsGAGG on transcript NM_001130987.2 (MANE Select); coding-DNA position 5809, A replaced by GAGG.
Protein change: p.Thr1937delinsGluAla.
Molecular consequence: inframe indel.
Genome position (GRCh38, 1-based): chr2:71,674,221, A replaced by GAGG. VCF-style: chr2-71674221-A-GAGG. GRCh37 (hg19) VCF-style: chr2-71901351-A-GAGG.
Other names: c.5695delinsGAGG, p.Thr1899delinsGluAla (NM_001130455.2); c.5650delinsGAGG, p.Thr1884delinsGluAla (NM_001130976.2); c.5713delinsGAGG, p.Thr1905delinsGluAla (NM_001130977.2); c.5755delinsGAGG, p.Thr1919delinsGluAla (NM_001130978.2); c.5785delinsGAGG, p.Thr1929delinsGluAla (NM_001130979.2); c.5743delinsGAGG, p.Thr1915delinsGluAla (NM_001130980.2); c.5806delinsGAGG, p.Thr1936delinsGluAla (NM_001130981.2); c.5788delinsGAGG, p.Thr1930delinsGluAla (NM_001130982.2); and 5 more.
Identifiers: ClinVar variation 5004782 (VCV005004782.1).

ClinVar aggregate classification (germline): Uncertain significance (1 of 4 stars; one submission).

Conditions:
Autosomal recessive limb-girdle muscular dystrophy. Identifiers: Orphanet 102015, MedGen C2931907, MONDO:0015152.

Submission:

Myriad Genetics, Inc.
Classification: Uncertain significance for Autosomal recessive limb-girdle muscular dystrophy. Last evaluated: 2026-07-08. Review status: criteria provided, single submitter. Criteria: Myriad Autosomal Dominant, Autosomal Recessive and X-Linked Classification Criteria (2023). Collection method: clinical testing. Allele origin: unknown.
Comment: NM_003494.3(DYSF):c.5692delAinsGAGG(T1898delinsEA) is an in-frame deletion classified as a variant of uncertain significance in the context of dysferlinopathy. T1898delinsEA has not been observed in cases with relevant disease. Relevant functional assessments of this variant are not available in the literature. T1898delinsEA has not been observed in referenced population frequency databases. In summary, there is insufficient evidence to classify NM_003494.3(DYSF):c.5692delAinsGAGG(T1898delinsEA) as pathogenic or benign. Please note: this variant was assessed in the context of healthy population screening.